The following is an entry in ClinVar:

NM_001080467.3(MYO5B):c.350C>G (p.Pro117Arg)

Gene: MYO5B (myosin VB; minus strand). Cytogenetic location: 18q21.1.
Variant type: single nucleotide variant.
Coding change: c.350C>G on transcript NM_001080467.3 (MANE Select); coding-DNA position 350, C replaced by G.
Protein change: p.Pro117Arg; replaces proline 117 with arginine.
Molecular consequence: missense variant.
Genome position (GRCh38, 1-based): chr18:50,036,955, G>C on the plus strand (C>G on the coding strand, the complement: MYO5B is on the minus strand). VCF-style: chr18-50036955-G-C. GRCh37 (hg19) VCF-style: chr18-47563325-G-C.
Other names: short protein forms P117R.
Identifiers: ClinVar variation 4700032 (VCV004700032.1).
Genomic context (GRCh38, chr18:50,036,955, plus strand): 5'-GGGTCCATGTCTCCCATGTTTTGGCCACTGTAGGTATAGATGACATCTTGTCCATAGATT[G>C]GCAACTGTTCATAAGGATTAATGGCAACAAGTACGATACCTGCAAACAGACAAGGTGGTC-3'
Protein context (NP_001073936.1, residues 107-127): LVAINPYEQL[Pro117Arg]IYGQDVIYTY

ClinVar aggregate classification (germline): Uncertain significance (1 of 4 stars; one submission).

Submission:

Labcorp Genetics (formerly Invitae), Labcorp
Classification: Uncertain significance. Last evaluated: 2025-04-10. Review status: criteria provided, single submitter. Criteria: Invitae Variant Classification Sherloc (09022015). Collection method: clinical testing. Allele origin: germline.
Comment: This sequence change replaces proline, which is neutral and non-polar, with arginine, which is basic and polar, at codon 117 of the MYO5B protein (p.Pro117Arg). This variant is not present in population databases (gnomAD no frequency). This variant has not been reported in the literature in individuals affected with MYO5B-related conditions. Invitae Evidence Modeling of protein sequence and biophysical properties (such as structural, functional, and spatial information, amino acid conservation, physicochemical variation, residue mobility, and thermodynamic stability) indicates that this missense variant is not expected to disrupt MYO5B protein function with a negative predictive value of 80%. In summary, the available evidence is currently insufficient to determine the role of this variant in disease. Therefore, it has been classified as a Variant of Uncertain Significance.